The following is an entry in ClinVar:

GRCh37/hg19 16p13.11(chr16:15509407-15858075)x3

Genes: BMERB1 (bMERB domain containing 1; plus strand), MARF1 (meiosis regulator and mRNA stability factor 1; minus strand), MYH11 (myosin heavy chain 11; minus strand), NDE1 (nudE neurodevelopment protein 1; plus strand). Cytogenetic location: 16p13.11.
Variant type: copy number gain.
Change: copy number 3 (three copies instead of two) of chr16:15,509,407-15,858,075 (348.7 kb, GRCh37 coordinates, 1-based), cytogenetic band 16p13.11.
Identifiers: ClinVar variation 1808886 (VCV001808886.1).

ClinVar aggregate classification (germline): Likely pathogenic (1 of 4 stars; one submission).

Submission:

Quest Diagnostics Nichols Institute San Juan Capistrano
Classification: Likely pathogenic. Last evaluated: 2021-06-25. Review status: criteria provided, single submitter. Criteria: ACMG/ClinGen CNV Guidelines, 2019. Collection method: clinical testing. Allele origin: unknown.
Comment: The copy number gain of 16p13.11 involves a few protein-coding genes, including multiple exons of a 3' portion of MYH11 (OMIM 160745), and overlaps a recurrent genomic imbalance. It confers susceptibility to a range of neurodevelopmental disorders including autism spectrum disorder, developmental delay, intellectual disability, and speech delay. Additionally, increased risk for cardiovascular disease has been noted (LA El Khattabi et al., J Med Genet 2020;57(5):301-307, PMID 30287593). The clinical significance of this recurrent duplication has been debated, because similar duplications are repeatedly observed in uncharacterized controls and in unaffected relatives (Ullmann R et al., Hum Mutat. 2007 Jul;28(7):674-82.PMID:17480035; Hannes FD et al., J Med Genet. 2009 Apr;46(4):223-32.PMID: 18550696). However, the duplication is enriched in patients versus controls in multiple case-control studies (Coe et al., Nat Genet.2014 Oct;46(10):1063-71., PMID: 25217958; Girirajan et al., N Engl JMed. 2012 Oct 4;367(14):1321-31., PMID: 22970919), with some exceptions (Kaminsky et al., Genet Med. 2011 Sep;13(9):777-84., PMID:21844811). A male-biased effect on the penetrance of the neurodevelopmental phenotypes has been reported (Tropeano M et al.,PLoS One. 2013 Apr 18;8(4):e61365.; PMID: 23637818). Moreover, Khattabi et al. recently suggest no impact of the size of the duplicated segment on the severity of the phenotype in those patients with 16p13.11 gains (Khattabi et al., J Med Genet. 2020May;57(5):301-307. PMID: 30287593), and proposed NDE1 and miR-484 as candidate genes in the neurocognitive phenotype, both of which are involved in the current gain interval. In addition, heterozygous pathogenic sequence variants (mostly missense) of MYH11 have been associated with autosomal dominant conditions of familial thoracicaortic aneurysm 4 (OMIM 160745) and visceral myopathy 2 (OMIM 619350). Thus, the clinical significance of this CNV is likely pathogenic. Please note: because of variable phenotypic expressivity, incomplete penetrance, and occurrence in control populations, it is best interpreted as a susceptibility locus.